The following is an entry in ClinVar:

ClinVar aggregate classification (germline): Uncertain significance (1 of 4 stars; one submission).

Conditions:
Ullrich congenital muscular dystrophy 2 (UCMD2). Identifiers: Orphanet 75840, MedGen C4225314, MONDO:0014654, OMIM 616470.
Bethlem myopathy 2 (BTHLM2). Identifiers: Orphanet 536516, Orphanet 610, MedGen C4225313, MONDO:0034022, OMIM 616471.

Submission:

Labcorp Genetics (formerly Invitae), Labcorp
Classification: Uncertain significance for Bethlem myopathy 2; Ullrich congenital muscular dystrophy 2. Last evaluated: 2024-07-24. Review status: criteria provided, single submitter. Criteria: Invitae Variant Classification Sherloc (09022015). Collection method: clinical testing. Allele origin: germline.
Comment: This sequence change replaces valine, which is neutral and non-polar, with phenylalanine, which is neutral and non-polar, at codon 760 of the COL12A1 protein (p.Val760Phe). This variant is not present in population databases (gnomAD no frequency). This variant has not been reported in the literature in individuals affected with COL12A1-related conditions. ClinVar contains an entry for this variant (Variation ID: 1445249). Advanced modeling of protein sequence and biophysical properties (such as structural, functional, and spatial information, amino acid conservation, physicochemical variation, residue mobility, and thermodynamic stability) performed at Invitae indicates that this missense variant is not expected to disrupt COL12A1 protein function with a negative predictive value of 80%. In summary, the available evidence is currently insufficient to determine the role of this variant in disease. Therefore, it has been classified as a Variant of Uncertain Significance.

NM_004370.6(COL12A1):c.2278G>T (p.Val760Phe)

Gene: COL12A1 (collagen type XII alpha 1 chain; minus strand). Cytogenetic location: 6q13.
Variant type: single nucleotide variant.
Coding change: c.2278G>T on transcript NM_004370.6 (MANE Select); coding-DNA position 2278, G replaced by T.
Protein change: p.Val760Phe; replaces valine 760 with phenylalanine.
Molecular consequence: missense variant. On other transcripts: intron variant (1).
Genome position (GRCh38, 1-based): chr6:75,177,822, C>A on the plus strand (G>T on the coding strand, the complement: COL12A1 is on the minus strand). VCF-style: chr6-75177822-C-A. GRCh37 (hg19) VCF-style: chr6-75887538-C-A.
Other names: c.73+24898G>T (NM_080645.3); short protein forms V760F.
Identifiers: ClinVar variation 1445249 (VCV001445249.6), dbSNP rs2149456891, ClinGen allele CA364764176.